The following is an entry in ClinVar:

NM_004855.5(PIGB):c.847-8G>A

Gene: PIGB (phosphatidylinositol glycan anchor biosynthesis class B; plus strand). Cytogenetic location: 15q21.3.
Variant type: single nucleotide variant.
Coding change: c.847-8G>A on transcript NM_004855.5 (MANE Select); 8 bases into the intron before coding-DNA position 847, G replaced by A.
Molecular consequence: intron variant.
Genome position (GRCh38, 1-based): chr15:55,340,604, G>A. VCF-style: chr15-55340604-G-A. GRCh37 (hg19) VCF-style: chr15-55632802-G-A.
Identifiers: ClinVar variation 2187394 (VCV002187394.1), dbSNP rs2543117845, ClinGen allele CA2575733899.

ClinVar aggregate classification (germline): Uncertain significance (1 of 4 stars; one submission).

gnomAD v4.1: 4 of 1,593,946 alleles (0.00025%); highest among the groups gnomAD compares: Admixed American, 0.0017%; no homozygotes.

Submission:

Labcorp Genetics (formerly Invitae), Labcorp
Classification: Uncertain significance. Last evaluated: 2022-08-02. Review status: criteria provided, single submitter. Criteria: Invitae Variant Classification Sherloc (09022015). Collection method: clinical testing. Allele origin: germline.
Comment: This sequence change falls in intron 7 of the PIGB gene. It does not directly change the encoded amino acid sequence of the PIGB protein. This variant is not present in population databases (gnomAD no frequency). This variant has not been reported in the literature in individuals affected with PIGB-related conditions. Algorithms developed to predict the effect of sequence changes on RNA splicing suggest that this variant may disrupt the consensus splice site. In summary, the available evidence is currently insufficient to determine the role of this variant in disease. Therefore, it has been classified as a Variant of Uncertain Significance.